The following is an entry in ClinVar:

NM_005562.3(LAMC2):c.2881C>T (p.Gln961Ter)

Gene: LAMC2 (laminin subunit gamma 2; plus strand). Cytogenetic location: 1q25.3.
Variant type: single nucleotide variant.
Coding change: c.2881C>T on transcript NM_005562.3 (MANE Select); coding-DNA position 2881, C replaced by T.
Protein change: p.Gln961Ter; replaces glutamine 961 with a stop codon.
Molecular consequence: nonsense.
Genome position (GRCh38, 1-based): chr1:183,239,375, C>T. VCF-style: chr1-183239375-C-T. GRCh37 (hg19) VCF-style: chr1-183208510-C-T.
Other names: c.2881C>T (NM_005562.2); c.2881C>T, p.Gln961Ter (NM_018891.3); short protein forms Q961*.
Identifiers: ClinVar variation 1364664 (VCV001364664.6), dbSNP rs1660058817, ClinGen allele CA343659072.

ClinVar aggregate classification (germline): Pathogenic/Likely pathogenic. Review status: criteria provided, multiple submitters, no conflicts (2 of 4 stars). 2 submissions from 2 submitters: Pathogenic (1); Likely pathogenic (1). Last evaluated 2023-01-04.

Conditions:
Junctional epidermolysis bullosa. Identifiers: Orphanet 305, MedGen C0079301, MONDO:0017612.

Allele frequency attached by ClinVar (database versions not stated): TOPMed below 0.00001; gnomAD exomes 0.00001.
gnomAD v4.1: 11 of 1,614,106 alleles (0.00068%); highest among the groups gnomAD compares: Non-Finnish European, 0.00093%; no homozygotes.

Submissions (2):

Women's Health and Genetics/Laboratory Corporation of America, LabCorp
Classification: Likely pathogenic for Junctional epidermolysis bullosa. Last evaluated: 2023-01-04. Review status: criteria provided, single submitter. Criteria: LabCorp Variant Classification Summary - May 2015. Collection method: clinical testing. Allele origin: germline.
Comment: Variant summary: LAMC2 c.2881C>T (p.Gln961X) results in a premature termination codon, predicted to cause a truncation of the encoded protein or absence of the protein due to nonsense mediated decay, which are commonly known mechanisms for disease. Truncations downstream of this position have been classified as pathogenic in ClinVar and are associated with Epidermolysis bullosa in HGMD. The variant was absent in 251188 control chromosomes. To our knowledge, c.2881C>T has not been reported in the literature in individuals affected with Junctional Epidermolysis Bullosa and no experimental evidence demonstrating an impact on protein function has been reported. One clinical diagnostic laboratory has submitted clinical-significance assessments for this variant to ClinVar after 2014 and classified the variant as pathogenic. Based on the evidence outlined above, the variant was classified as likely pathogenic.

Labcorp Genetics (formerly Invitae), Labcorp
Classification: Pathogenic. Last evaluated: 2022-03-28. Review status: criteria provided, single submitter. Criteria: Invitae Variant Classification Sherloc (09022015). Collection method: clinical testing. Allele origin: germline.
Comment: This sequence change creates a premature translational stop signal (p.Gln961*) in the LAMC2 gene. It is expected to result in an absent or disrupted protein product. Loss-of-function variants in LAMC2 are known to be pathogenic (PMID: 11907499, 16473856). This variant is not present in population databases (gnomAD no frequency). This variant has not been reported in the literature in individuals affected with LAMC2-related conditions. Algorithms developed to predict the effect of sequence changes on RNA splicing suggest that this variant may create or strengthen a splice site. For these reasons, this variant has been classified as Pathogenic.

Literature cited by the submitters: PubMed 31980526 (cited by Women's Health and Genetics/Laboratory Corporation of America, LabCorp); PubMed 11907499 (cited by Labcorp Genetics (formerly Invitae), Labcorp); PubMed 16473856 (cited by Labcorp Genetics (formerly Invitae), Labcorp).